The following is an entry in ClinVar:

ClinVar aggregate classification (germline): Pathogenic (1 of 4 stars; one submission).

Submission:

Labcorp Genetics (formerly Invitae), Labcorp
Classification: Pathogenic. Last evaluated: 2019-09-13. Review status: criteria provided, single submitter. Criteria: Invitae Variant Classification Sherloc (09022015). Collection method: clinical testing. Allele origin: germline.
Comment: This variant is a gross deletion of the genomic region encompassing exons 21-22 of the PHEX gene. The 5' boundary is likely confined to intron 20. The 3' end of this event is unknown as it extends through the termination codon beyond the assayed region for this gene and may encompass additional genes. While this deletion is not anticipated to result in nonsense mediated decay, it is expected to create a truncated protein product or disrupt mRNA translation. This variant has been observed in individuals affected with X-linked hypophosphatemic rickets (PMID: 19513579, Invitae). This variant disrupts the p.Cys746 amino acid residue in PHEX. Another variant that disrupts this residue have been determined to be pathogenic (PMID: 23813354, 10439971, Invitae). This suggests that this residue is clinically significant, and that variants that disrupt this residue are likely to be disease-causing. For these reasons, this variant has been classified as Pathogenic.

Literature cited by the submitters: PubMed 10439971; PubMed 23813354; PubMed 19513579.

NC_000023.11:g.(?_22245333)_(22274269_?)del

Genes: CBLL2 (Cbl proto-oncogene like 2; plus strand), PHEX (phosphate regulating endopeptidase X-linked; plus strand). Cytogenetic location: Xp22.11.
Variant type: Deletion.
Identifiers: ClinVar variation 832361 (VCV000832361.1).